The following is an entry in ClinVar:

ClinVar aggregate classification (germline): Uncertain significance. Review status: criteria provided, multiple submitters, no conflicts (2 of 4 stars). 2 submissions from 2 submitters: Uncertain significance (2). Last evaluated 2026-02-02.

Conditions:
Cardiovascular phenotype. Identifiers: MedGen CN230736.
Long QT syndrome (LQTS). Identifiers: MedGen C0023976, MeSH D008133, MONDO:0002442. Disease mechanism: loss of function. Inheritance: Various modes of inheritance.

Allele frequency attached by ClinVar (database versions not stated): gnomAD exomes below 0.00001; gnomAD 0.00002; TOPMed 0.00002; 1000 Genomes Project 30x 0.00016; 1000 Genomes Project 0.00020; ExAC 0.00002.
gnomAD v4.1: 7 of 1,613,882 alleles (0.00043%); highest among the groups gnomAD compares: African/African-American, 0.0053%; no homozygotes.

Submissions (2):

Labcorp Genetics (formerly Invitae), Labcorp
Classification: Uncertain significance for Long QT syndrome. Last evaluated: 2026-02-02. Review status: criteria provided, single submitter. Criteria: Invitae Variant Classification Sherloc (09022015). Collection method: clinical testing. Allele origin: germline.
Comment: This sequence change replaces isoleucine, which is neutral and non-polar, with valine, which is neutral and non-polar, at codon 495 of the AKAP9 protein (p.Ile495Val). This variant is present in population databases (rs557411136, gnomAD 0.01%). This variant has not been reported in the literature in individuals affected with AKAP9-related conditions. ClinVar contains an entry for this variant (Variation ID: 2449796). An algorithm developed to predict the effect of missense changes on protein structure and function (PolyPhen-2) suggests that this variant is likely to be disruptive. In summary, the available evidence is currently insufficient to determine the role of this variant in disease. Therefore, it has been classified as a Variant of Uncertain Significance.

Ambry Genetics
Classification: Uncertain significance for Cardiovascular phenotype. Last evaluated: 2025-05-18. Review status: criteria provided, single submitter. Criteria: Ambry Variant Classification Scheme 2023. Collection method: clinical testing. Allele origin: germline.
Comment: The p.I495V variant (also known as c.1483A>G), located in coding exon 8 of the AKAP9 gene, results from an A to G substitution at nucleotide position 1483. The isoleucine at codon 495 is replaced by valine, an amino acid with highly similar properties. This amino acid position is conserved. In addition, this alteration is predicted to be tolerated by in silico analysis. Since supporting evidence is limited at this time, the clinical significance of this alteration remains unclear.

NM_005751.5(AKAP9):c.1483A>G (p.Ile495Val)

Gene: AKAP9 (A-kinase anchoring protein 9; plus strand). Cytogenetic location: 7q21.2.
Variant type: single nucleotide variant.
Coding change: c.1483A>G on transcript NM_005751.5 (MANE Select); coding-DNA position 1483, A replaced by G.
Protein change: p.Ile495Val; replaces isoleucine 495 with valine.
Molecular consequence: missense variant.
Genome position (GRCh38, 1-based): chr7:92,001,400, A>G. VCF-style: chr7-92001400-A-G. GRCh37 (hg19) VCF-style: chr7-91630714-A-G.
Other names: c.1483A>G, p.Ile495Val (NM_147185.3); short protein forms I495V.
Identifiers: ClinVar variation 2449796 (VCV002449796.7), dbSNP rs557411136, ClinGen allele CA4336021.